The following is an entry in ClinVar:

NC_000015.10:g.84817018C>T

Gene: ALPK3 (alpha kinase 3; plus strand). Cytogenetic location: 15q25.3.
Variant type: single nucleotide variant.
Genome position: GRCh38 VCF-style: chr15-84817018-C-T. GRCh37 (hg19) VCF-style: chr15-85360249-C-T.
Identifiers: ClinVar variation 3726615 (VCV003726615.2).

ClinVar aggregate classification (germline): Uncertain significance (1 of 4 stars; one submission).

Submission:

Labcorp Genetics (formerly Invitae), Labcorp
Classification: Uncertain significance. Last evaluated: 2024-12-12. Review status: criteria provided, single submitter. Criteria: Invitae Variant Classification Sherloc (09022015). Collection method: clinical testing. Allele origin: germline.
Comment: This sequence change replaces proline, which is neutral and non-polar, with serine, which is neutral and polar, at codon 58 of the ALPK3 protein (p.Pro58Ser). This variant is not present in population databases (gnomAD no frequency). This variant has not been reported in the literature in individuals affected with ALPK3-related conditions. An algorithm developed to predict the effect of missense changes on protein structure and function (PolyPhen-2) suggests that this variant is likely to be disruptive. In summary, the available evidence is currently insufficient to determine the role of this variant in disease. Therefore, it has been classified as a Variant of Uncertain Significance.